The following is an entry in ClinVar:

NM_000540.3(RYR1):c.7648C>G (p.Leu2550Val)

Gene: RYR1 (ryanodine receptor 1; plus strand). Cytogenetic location: 19q13.2.
Variant type: single nucleotide variant.
Coding change: c.7648C>G on transcript NM_000540.3 (MANE Select); coding-DNA position 7648, C replaced by G.
Protein change: p.Leu2550Val; replaces leucine 2550 with valine.
Molecular consequence: missense variant.
Genome position (GRCh38, 1-based): chr19:38,502,540, C>G. VCF-style: chr19-38502540-C-G. GRCh37 (hg19) VCF-style: chr19-38993180-C-G.
Other names: c.7648C>G, p.Leu2550Val (NM_001042723.2); short protein forms L2550V.
Identifiers: ClinVar variation 133210 (VCV000133210.3), dbSNP rs193922821, ClinGen allele CA024842.

ClinVar aggregate classification (germline): Benign. Review status: no assertion criteria provided (0 of 4 stars). 2 submissions from 2 submitters: Benign (1). 1 of the submissions does not count toward it. Last evaluated 2010-05-11.

Conditions:
Central core myopathy (CMYO1A). Also called: Central core disease; Myopathy, central fibrillar; CONGENITAL MYOPATHY 1A, AUTOSOMAL DOMINANT, WITH SUSCEPTIBILITY TO MALIGNANT HYPERTHERMIA. Identifiers: Orphanet 597, MedGen C5830701, MONDO:0007294, OMIM 117000.

Submissions (2):

GeneReviews
Classification: Benign for Central Core Disease. Last evaluated: 2010-05-11. Review status: no assertion criteria provided. Collection method: curation. Allele origin: unknown.
ClinVar note: Converted during submission from non-pathogenic to Benign.

RYR1 database
No classification provided. Review status: no classification provided. Collection method: not provided. Allele origin: unknown. Not counted in ClinVar's aggregate classification.